The following is an entry in ClinVar:

ClinVar aggregate classification (germline): Uncertain significance (1 of 4 stars; one submission).

Conditions:
Multiple acyl-CoA dehydrogenase deficiency (MADD). Also called: ETHYLMALONIC-ADIPICACIDURIA; GA II; Glutaric aciduria, type 2; Glutaric acidemia type II; GA 2; Glutaric Acidemia type 2. Identifiers: Orphanet 26791, MedGen C0268596, MONDO:0009282, OMIM 231680.

Allele frequency attached by ClinVar (database versions not stated): ExAC 0.00002; gnomAD 0.00002.
gnomAD v4.1: 6 of 1,602,388 alleles (0.00037%); highest among the groups gnomAD compares: Admixed American, 0.005%; no homozygotes.

Submission:

Labcorp Genetics (formerly Invitae), Labcorp
Classification: Uncertain significance for Multiple acyl-CoA dehydrogenase deficiency. Last evaluated: 2022-08-12. Review status: criteria provided, single submitter. Criteria: Invitae Variant Classification Sherloc (09022015). Collection method: clinical testing. Allele origin: germline.
Comment: This sequence change falls in intron 2 of the ETFA gene. It does not directly change the encoded amino acid sequence of the ETFA protein. It affects a nucleotide within the consensus splice site. This variant is present in population databases (rs776759882, gnomAD 0.009%). This variant has not been reported in the literature in individuals affected with ETFA-related conditions. Variants that disrupt the consensus splice site are a relatively common cause of aberrant splicing (PMID: 17576681, 9536098). Algorithms developed to predict the effect of sequence changes on RNA splicing suggest that this variant is not likely to affect RNA splicing. In summary, the available evidence is currently insufficient to determine the role of this variant in disease. Therefore, it has been classified as a Variant of Uncertain Significance.

Literature cited by the submitters: PubMed 17576681; PubMed 9536098.

NM_000126.4(ETFA):c.187-3T>C

Gene: ETFA (electron transfer flavoprotein subunit alpha; minus strand). Cytogenetic location: 15q24.2.
Variant type: single nucleotide variant.
Coding change: c.187-3T>C on transcript NM_000126.4 (MANE Select); 3 bases into the intron before coding-DNA position 187, T replaced by C.
Molecular consequence: intron variant.
Genome position (GRCh38, 1-based): chr15:76,292,703, A>G on the plus strand (T>C on the coding strand, the complement: ETFA is on the minus strand). VCF-style: chr15-76292703-A-G. GRCh37 (hg19) VCF-style: chr15-76585044-A-G.
Other names: c.40-3T>C (NM_001127716.2).
Identifiers: ClinVar variation 1922396 (VCV001922396.2), dbSNP rs776759882, ClinGen allele CA7673836.